The following is an entry in ClinVar:

NM_005431.2(XRCC2):c.52C>G (p.Leu18Val)

Gene: XRCC2 (X-ray repair cross complementing 2; minus strand). Cytogenetic location: 7q36.1.
Variant type: single nucleotide variant.
Coding change: c.52C>G on transcript NM_005431.2 (MANE Select); coding-DNA position 52, C replaced by G.
Protein change: p.Leu18Val; replaces leucine 18 with valine.
Molecular consequence: missense variant.
Genome position (GRCh38, 1-based): chr7:152,660,770, G>C on the plus strand (C>G on the coding strand, the complement: XRCC2 is on the minus strand). VCF-style: chr7-152660770-G-C. GRCh37 (hg19) VCF-style: chr7-152357855-G-C.
Other names: short protein forms L18V.
Identifiers: ClinVar variation 3333530 (VCV003333530.1).

ClinVar aggregate classification (germline): Uncertain significance (1 of 4 stars; one submission).

Conditions:
Hereditary cancer-predisposing syndrome. Also called: Neoplastic Syndromes, Hereditary; Tumor predisposition; Hereditary neoplastic syndrome; Hereditary Cancer Syndrome. Identifiers: Orphanet 140162, MedGen C0027672, MeSH D009386, MONDO:0015356.

Submission:

Ambry Genetics
Classification: Uncertain significance for Hereditary cancer-predisposing syndrome. Last evaluated: 2024-03-16. Review status: criteria provided, single submitter. Criteria: Ambry Variant Classification Scheme 2023. Collection method: clinical testing. Allele origin: germline.
Comment: The p.L18V variant (also known as c.52C>G), located in coding exon 2 of the XRCC2 gene, results from a C to G substitution at nucleotide position 52. The leucine at codon 18 is replaced by valine, an amino acid with highly similar properties. This amino acid position is conserved. In addition, this alteration is predicted to be tolerated by in silico analysis. Based on the available evidence, the clinical significance of this alteration remains unclear.